The following is an entry in ClinVar:

NM_020832.3(ZNF687):c.371A>C (p.Gln124Pro)

Gene: ZNF687 (zinc finger protein 687; plus strand). Cytogenetic location: 1q21.3.
Variant type: single nucleotide variant.
Coding change: c.371A>C on transcript NM_020832.3 (MANE Select); coding-DNA position 371, A replaced by C.
Protein change: p.Gln124Pro; replaces glutamine 124 with proline.
Molecular consequence: missense variant.
Genome position (GRCh38, 1-based): chr1:151,286,662, A>C. VCF-style: chr1-151286662-A-C. GRCh37 (hg19) VCF-style: chr1-151259138-A-C.
Other names: c.371A>C, p.Gln124Pro (NM_001304763.2, NM_001304764.2); short protein forms Q124P.
Identifiers: ClinVar variation 3691746 (VCV003691746.2).

ClinVar aggregate classification (germline): Uncertain significance (1 of 4 stars; one submission).

Submission:

Labcorp Genetics (formerly Invitae), Labcorp
Classification: Uncertain significance. Last evaluated: 2024-04-16. Review status: criteria provided, single submitter. Criteria: Invitae Variant Classification Sherloc (09022015). Collection method: clinical testing. Allele origin: germline.
Comment: This sequence change replaces glutamine, which is neutral and polar, with proline, which is neutral and non-polar, at codon 124 of the ZNF687 protein (p.Gln124Pro). This variant is not present in population databases (gnomAD no frequency). This variant has not been reported in the literature in individuals affected with ZNF687-related conditions. An algorithm developed to predict the effect of missense changes on protein structure and function (PolyPhen-2) suggests that this variant is likely to be tolerated. In summary, the available evidence is currently insufficient to determine the role of this variant in disease. Therefore, it has been classified as a Variant of Uncertain Significance.